The following is an entry in ClinVar:

ClinVar aggregate classification (germline): Uncertain significance (1 of 4 stars; one submission).

gnomAD v4.1: 7 of 1,311,260 alleles (0.00053%); highest among the groups gnomAD compares: Non-Finnish European, 0.00068%; no homozygotes.

Submission:

Ambry Genetics
Classification: Uncertain significance. Last evaluated: 2025-12-22. Review status: criteria provided, single submitter. Criteria: Ambry Variant Classification Scheme 2023. Collection method: clinical testing. Allele origin: germline.
Comment: The p.A60D variant (also known as c.179C>A), located in coding exon 1 of the WNK2 gene, results from a C to A substitution at nucleotide position 179. The alanine at codon 60 is replaced by aspartic acid, an amino acid with dissimilar properties. This amino acid position is conserved. In addition, this alteration is predicted to be tolerated by in silico analysis. Based on the available evidence, the clinical significance of this variant remains unclear.

NM_006648.4(WNK2):c.179C>A (p.Ala60Asp)

Gene: WNK2 (WNK lysine deficient protein kinase 2; plus strand). Cytogenetic location: 9q22.31.
Variant type: single nucleotide variant.
Coding change: c.179C>A on transcript NM_006648.4 (MANE Select); coding-DNA position 179, C replaced by A.
Protein change: p.Ala60Asp; replaces alanine 60 with aspartic acid.
Molecular consequence: missense variant.
Genome position (GRCh38, 1-based): chr9:93,185,108, C>A. VCF-style: chr9-93185108-C-A. GRCh37 (hg19) VCF-style: chr9-95947390-C-A.
Other names: c.179C>A, p.Ala60Asp (NM_001282394.3); short protein forms A60D.
Identifiers: ClinVar variation 4842099 (VCV004842099.1).